The following is an entry in ClinVar:

NM_020975.6(RET):c.2557T>C (p.Ser853Pro)

Gene: RET (ret proto-oncogene; plus strand). Cytogenetic location: 10q11.21.
Variant type: single nucleotide variant.
Coding change: c.2557T>C on transcript NM_020975.6 (MANE Select); coding-DNA position 2557, T replaced by C.
Protein change: p.Ser853Pro; replaces serine 853 with proline.
Molecular consequence: missense variant.
Genome position (GRCh38, 1-based): chr10:43,119,695, T>C. VCF-style: chr10-43119695-T-C. GRCh37 (hg19) VCF-style: chr10-43615143-T-C.
Other names: c.2557T>C, p.Ser853Pro (NM_000323.2, NM_001406743.1, NM_001406744.1 and 4 more transcripts); c.1795T>C, p.Ser599Pro (NM_001355216.2); c.2428T>C, p.Ser810Pro (NM_001406761.1, NM_001406762.1, NM_001406764.1); c.2422T>C, p.Ser808Pro (NM_001406763.1, NM_001406765.1); c.2269T>C, p.Ser757Pro (NM_001406766.1, NM_001406767.1, NM_001406770.1); c.2293T>C, p.Ser765Pro (NM_001406768.1); c.2161T>C, p.Ser721Pro (NM_001406769.1, NM_001406772.1); c.2119T>C, p.Ser707Pro (NM_001406771.1, NM_001406773.1); and 10 more; short protein forms S599P, S853P, S418P, S458P, S509P, S514P, S554P, S765P.
Identifiers: ClinVar variation 1055443 (VCV001055443.10), dbSNP rs2132949563, ClinGen allele CA376556577.

ClinVar aggregate classification (germline): Uncertain significance (1 of 4 stars; one submission).

Conditions:
Multiple endocrine neoplasia, type 2 (MEN2). Identifiers: Orphanet 653, MedGen C4048306, MONDO:0019003. Disease mechanism: gain of function.

Submission:

Labcorp Genetics (formerly Invitae), Labcorp
Classification: Uncertain significance for Multiple endocrine neoplasia, type 2. Last evaluated: 2023-08-24. Review status: criteria provided, single submitter. Criteria: Invitae Variant Classification Sherloc (09022015). Collection method: clinical testing. Allele origin: germline.
Comment: In summary, the available evidence is currently insufficient to determine the role of this variant in disease. Therefore, it has been classified as a Variant of Uncertain Significance. An algorithm developed to predict the effect of missense changes on protein structure and function (PolyPhen-2) suggests that this variant is likely to be disruptive. ClinVar contains an entry for this variant (Variation ID: 1055443). This variant has not been reported in the literature in individuals affected with RET-related conditions. This variant is not present in population databases (gnomAD no frequency). This sequence change replaces serine, which is neutral and polar, with proline, which is neutral and non-polar, at codon 853 of the RET protein (p.Ser853Pro).